The following is an entry in ClinVar:

ClinVar aggregate classification (germline): Uncertain significance (1 of 4 stars; one submission).

Conditions:
Hypertrophic cardiomyopathy. Also called: HYPERTROPHIC MYOCARDIOPATHY. Identifiers: Orphanet 217569, MedGen C0007194, MeSH D002312, MONDO:0005045, HP:0001639.

Submission:

Labcorp Genetics (formerly Invitae), Labcorp
Classification: Uncertain significance for Hypertrophic cardiomyopathy. Last evaluated: 2025-05-04. Review status: criteria provided, single submitter. Criteria: Invitae Variant Classification Sherloc (09022015). Collection method: clinical testing. Allele origin: germline.
Comment: This sequence change replaces glutamine, which is neutral and polar, with proline, which is neutral and non-polar, at codon 791 of the MYBPC3 protein (p.Gln791Pro). This variant is not present in population databases (gnomAD no frequency). This variant has not been reported in the literature in individuals affected with MYBPC3-related conditions. ClinVar contains an entry for this variant (Variation ID: 838315). An algorithm developed to predict the effect of missense changes on protein structure and function (PolyPhen-2) suggests that this variant is likely to be disruptive. In summary, the available evidence is currently insufficient to determine the role of this variant in disease. Therefore, it has been classified as a Variant of Uncertain Significance.

NM_000256.3(MYBPC3):c.2372A>C (p.Gln791Pro)

Gene: MYBPC3 (myosin binding protein C3; minus strand). Cytogenetic location: 11p11.2.
Variant type: single nucleotide variant.
Coding change: c.2372A>C on transcript NM_000256.3 (MANE Select); coding-DNA position 2372, A replaced by C.
Protein change: p.Gln791Pro; replaces glutamine 791 with proline.
Molecular consequence: missense variant.
Genome position (GRCh38, 1-based): chr11:47,337,731, T>G on the plus strand (A>C on the coding strand, the complement: MYBPC3 is on the minus strand). VCF-style: chr11-47337731-T-G. GRCh37 (hg19) VCF-style: chr11-47359282-T-G.
Other names: short protein forms Q791P.
Identifiers: ClinVar variation 838315 (VCV000838315.11), dbSNP rs757934210, ClinGen allele CA380318756.
Genomic context (GRCh38, chr11:47,337,731, plus strand): 5'-CCGGTGCCCTTGCACTCACCCAGGATGGGCTGCCCGCCATCGTAGGCAGGCGGCTCCCAC[T>G]GTACTGTGCAGGAGTCCTCTCCCACGTTGCTGATCTTGGGGGCCGCAGGTGCGTCTGGCA-3'
Protein context (NP_000247.2, residues 781-801): SNVGEDSCTV[Gln791Pro]WEPPAYDGGQ